The following is an entry in ClinVar:

NM_001291303.3(FAT4):c.1033G>A (p.Asp345Asn)

Gene: FAT4 (FAT atypical cadherin 4; plus strand). Cytogenetic location: 4q28.1.
Variant type: single nucleotide variant.
Coding change: c.1033G>A on transcript NM_001291303.3 (MANE Select); coding-DNA position 1033, G replaced by A.
Protein change: p.Asp345Asn; replaces aspartic acid 345 with asparagine.
Molecular consequence: missense variant. On other transcripts: intron variant (1).
Genome position (GRCh38, 1-based): chr4:125,317,444, G>A. VCF-style: chr4-125317444-G-A. GRCh37 (hg19) VCF-style: chr4-126238599-G-A.
Other names: c.1033G>A, p.Asp345Asn (NM_001291285.3, NM_001438396.1, NM_001438397.1 and 1 more transcripts); c.-55+1467G>A (NM_001437895.1); short protein forms D345N.
Identifiers: ClinVar variation 4974665 (VCV004974665.1).

ClinVar aggregate classification (germline): Uncertain significance (1 of 4 stars; one submission).

Conditions:
Hennekam lymphangiectasia-lymphedema syndrome 2 (HKLLS2). Identifiers: Orphanet 2136, MedGen C4014939, MONDO:0014454, OMIM 616006.
Van Maldergem syndrome 2 (VMLDS2). Identifiers: Orphanet 314679, MedGen C3809875, MONDO:0014242, OMIM 615546.

Submission:

Clinical Genomics Laboratory, Washington University in St. Louis
Classification: Uncertain significance for Van Maldergem syndrome 2; Hennekam lymphangiectasia-lymphedema syndrome 2. Last evaluated: 2025-10-02. Review status: criteria provided, single submitter. Criteria: ACMG Guidelines, 2015. Collection method: clinical testing. Allele origin: germline.
Comment: A FAT4 c.1033G>A (p.Asp345Asn) variant was identified at near heterozygous allelic fraction of 47.1%, a frequency which may be consistent with it being of germline origin. The FAT4 c.1033G>A (p.Asp345Asn) variant, to our knowledge has not been reported in the medical literature. This variant is absent from the general population (gnomAD v4.1.0), indicating it is not a common variant. Due to limited information and based on ACMG/AMP guidelines for variant interpretation (Richards S et al., PMID:25741868), the clinical significance of this variant is uncertain at this time.

Literature cited by the submitters: uncertain.